The following is an entry in ClinVar:

NM_003982.4(SLC7A7):c.737A>G (p.Asn246Ser)

Gene: SLC7A7 (solute carrier family 7 member 7; minus strand). Cytogenetic location: 14q11.2.
Variant type: single nucleotide variant.
Coding change: c.737A>G on transcript NM_003982.4 (MANE Select); coding-DNA position 737, A replaced by G.
Protein change: p.Asn246Ser; replaces asparagine 246 with serine.
Molecular consequence: missense variant.
Genome position (GRCh38, 1-based): chr14:22,778,826, T>C on the plus strand (A>G on the coding strand, the complement: SLC7A7 is on the minus strand). VCF-style: chr14-22778826-T-C. GRCh37 (hg19) VCF-style: chr14-23248035-T-C.
Other names: c.737A>G, p.Asn246Ser (NM_001126105.3, NM_001126106.4); short protein forms N246S.
Identifiers: ClinVar variation 1705251 (VCV001705251.6), dbSNP rs750130544, ClinGen allele CA7104615.
Genomic context (GRCh38, chr14:22,778,826, plus strand): 5'-ATGGAAAGTTGGTGGTGCAGTACCTACCTCTCAGGATTCTTGATCTCTTCAGTGACATAG[T>C]TGAGGGTGTCCCAGCCTGAGTAGGAGAACAGAGCTGAGTACAGTGCCAGGGCAATGTCAC-3'
Protein context (NP_003973.3, residues 236-256): LFSYSGWDTL[Asn246Ser]YVTEEIKNPE

ClinVar aggregate classification (germline): Uncertain significance. Review status: criteria provided, multiple submitters, no conflicts (2 of 4 stars). 2 submissions from 2 submitters: Uncertain significance (2). Last evaluated 2023-08-16.

Conditions:
Lysinuric protein intolerance (LPI). Identifiers: Orphanet 470, MedGen C0268647, MONDO:0009109, OMIM 222700.

Allele frequency attached by ClinVar (database versions not stated): ExAC 0.00001; gnomAD exomes 0.00001; gnomAD 0.00002; TOPMed 0.00002.
gnomAD v4.1: 20 of 1,614,028 alleles (0.0012%); highest among the groups gnomAD compares: African/African-American, 0.004%; no homozygotes.

Submissions (2):

Women's Health and Genetics/Laboratory Corporation of America, LabCorp
Classification: Uncertain significance. Last evaluated: 2023-08-16. Review status: criteria provided, single submitter. Criteria: LabCorp Variant Classification Summary - May 2015. Collection method: clinical testing. Allele origin: germline.
Comment: Variant summary: SLC7A7 c.737A>G (p.Asn246Ser) results in a conservative amino acid change in the encoded protein sequence. Four of five in-silico tools predict a damaging effect of the variant on protein function. The variant allele was found at a frequency of 4e-06 in 251454 control chromosomes (gnomAD). The available data on variant occurrences in the general population are insufficient to allow any conclusion about variant significance. c.737A>G has been reported in the literature in at-least one individual affected with Lysinuric Protein Intolerance (example: Shinawi_2011). These data do not allow any conclusion about variant significance. To our knowledge, no experimental evidence demonstrating an impact on protein function has been reported. The following publications have been ascertained in the context of this evaluation (PMID: 34095032, 21716135). One submitter has cited clinical-significance assessments for this variant to ClinVar after 2014 and has classified the variant as uncertain significance. Based on the evidence outlined above, the variant was classified as uncertain significance.

Labcorp Genetics (formerly Invitae), Labcorp
Classification: Uncertain significance for Lysinuric protein intolerance. Last evaluated: 2021-08-26. Review status: criteria provided, single submitter. Criteria: Invitae Variant Classification Sherloc (09022015). Collection method: clinical testing. Allele origin: germline.
Comment: This sequence change replaces asparagine with serine at codon 246 of the SLC7A7 protein (p.Asn246Ser). The asparagine residue is highly conserved and there is a small physicochemical difference between asparagine and serine. This variant is present in population databases (rs750130544, ExAC 0.001%). This missense change has been observed in individual(s) with lysinuric protein intolerance (PMID: 21716135). Algorithms developed to predict the effect of missense changes on protein structure and function are either unavailable or do not agree on the potential impact of this missense change (SIFT: "Deleterious"; PolyPhen-2: "Probably Damaging"; Align-GVGD: "Class C0"). In summary, the available evidence is currently insufficient to determine the role of this variant in disease. Therefore, it has been classified as a Variant of Uncertain Significance.

Literature cited by the submitters: PubMed 34095032 (cited by Women's Health and Genetics/Laboratory Corporation of America, LabCorp); PubMed 21716135 (cited by Women's Health and Genetics/Laboratory Corporation of America, LabCorp and Labcorp Genetics (formerly Invitae), Labcorp).